The following is an entry in ClinVar:

NM_000057.4(BLM):c.2725C>G (p.Gln909Glu)

Gene: BLM (BLM RecQ like helicase; plus strand). Cytogenetic location: 15q26.1.
Variant type: single nucleotide variant.
Coding change: c.2725C>G on transcript NM_000057.4 (MANE Select); coding-DNA position 2725, C replaced by G.
Protein change: p.Gln909Glu; replaces glutamine 909 with glutamic acid.
Molecular consequence: missense variant.
Genome position (GRCh38, 1-based): chr15:90,784,983, C>G. VCF-style: chr15-90784983-C-G. GRCh37 (hg19) VCF-style: chr15-91328213-C-G.
Other names: c.2725C>G, p.Gln909Glu (NM_001287246.2, NM_001287247.2); c.1600C>G, p.Gln534Glu (NM_001287248.2); c.2725C>G (NM_000057.2); short protein forms Q534E, Q909E.
Identifiers: ClinVar variation 971925 (VCV000971925.14), dbSNP rs1456964727, ClinGen allele CA16622075.
Genomic context (GRCh38, chr15:90,784,983, plus strand): 5'-GATTCAGGGATAATTTACTGCCTCTCCAGGCGAGAATGTGACACCATGGCTGACACGTTA[C>G]AGAGAGATGGGCTCGCTGCTCTTGCTTACCATGCTGGCCTCAGTGATTCTGCCAGAGATG-3'
Protein context (NP_000048.1, residues 899-919): RECDTMADTL[Gln909Glu]RDGLAALAYH

ClinVar aggregate classification (germline): Uncertain significance. Review status: criteria provided, multiple submitters, no conflicts (2 of 4 stars). 3 submissions from 3 submitters: Uncertain significance (2). 1 of the submissions does not count toward it. Last evaluated 2026-01-20.

Conditions:
Hereditary cancer-predisposing syndrome. Also called: Neoplastic Syndromes, Hereditary; Hereditary Cancer Syndrome; Tumor predisposition; Hereditary neoplastic syndrome. Identifiers: Orphanet 140162, MedGen C0027672, MeSH D009386, MONDO:0015356.
Bloom syndrome (BLM). Also called: Bloom-Torre-Machacek syndrome. Identifiers: Orphanet 125, MedGen C0005859, MONDO:0008876, OMIM 210900.

Allele frequency attached by ClinVar (database versions not stated): gnomAD exomes below 0.00001.
gnomAD v4.1: 2 of 1,614,136 alleles (0.00012%); highest among the groups gnomAD compares: Admixed American, 0.0017%; no homozygotes.

Submissions (3):

Labcorp Genetics (formerly Invitae), Labcorp
Classification: Uncertain significance for Bloom syndrome. Last evaluated: 2026-01-20. Review status: criteria provided, single submitter. Criteria: Invitae Variant Classification Sherloc (09022015). Collection method: clinical testing. Allele origin: germline.
Comment: This sequence change replaces glutamine, which is neutral and polar, with glutamic acid, which is acidic and polar, at codon 909 of the BLM protein (p.Gln909Glu). This variant is present in population databases (no rsID available, gnomAD 0.003%). This variant has not been reported in the literature in individuals affected with BLM-related conditions. ClinVar contains an entry for this variant (Variation ID: 971925). Invitae Evidence Modeling of protein sequence and biophysical properties (such as structural, functional, and spatial information, amino acid conservation, physicochemical variation, residue mobility, and thermodynamic stability) indicates that this missense variant is expected to disrupt BLM protein function with a positive predictive value of 80%. In summary, the available evidence is currently insufficient to determine the role of this variant in disease. Therefore, it has been classified as a Variant of Uncertain Significance.

Ambry Genetics
Classification: Uncertain significance for Hereditary cancer-predisposing syndrome. Last evaluated: 2024-09-10. Review status: criteria provided, single submitter. Criteria: Ambry Variant Classification Scheme 2023. Collection method: clinical testing. Allele origin: germline.
Comment: The p.Q909E variant (also known as c.2725C>G), located in coding exon 13 of the BLM gene, results from a C to G substitution at nucleotide position 2725. The glutamine at codon 909 is replaced by glutamic acid, an amino acid with highly similar properties. This amino acid position is well conserved in available vertebrate species. In addition, this alteration is predicted to be tolerated by in silico analysis. Based on the available evidence, the clinical significance of this variant remains unclear.

Natera, Inc.
Classification: Uncertain significance for Bloom syndrome. Last evaluated: 2019-01-27. Review status: no assertion criteria provided. Collection method: clinical testing. Allele origin: germline. Not counted in ClinVar's aggregate classification.